The following is an entry in ClinVar:

NM_001134407.3(GRIN2A):c.1579C>A (p.Pro527Thr)

Gene: GRIN2A (glutamate ionotropic receptor NMDA type subunit 2A; minus strand). Cytogenetic location: 16p13.2.
Variant type: single nucleotide variant.
Coding change: c.1579C>A on transcript NM_001134407.3 (MANE Select); coding-DNA position 1579, C replaced by A.
Protein change: p.Pro527Thr; replaces proline 527 with threonine.
Molecular consequence: missense variant.
Genome position (GRCh38, 1-based): chr16:9,840,719, G>T on the plus strand (C>A on the coding strand, the complement: GRIN2A is on the minus strand). VCF-style: chr16-9840719-G-T. GRCh37 (hg19) VCF-style: chr16-9934576-G-T.
Other names: c.1579C>A, p.Pro527Thr (NM_000833.5, NM_001134408.2); short protein forms P527T.
Identifiers: ClinVar variation 1719578 (VCV001719578.8), dbSNP rs2042658780, ClinGen allele CA394800330.

ClinVar aggregate classification (germline): Uncertain significance. Review status: criteria provided, multiple submitters, no conflicts (2 of 4 stars). 2 submissions from 2 submitters: Uncertain significance (2). Last evaluated 2023-08-17.

Conditions:
Landau-Kleffner syndrome (FESD). Also called: EPILEPSY, FOCAL, WITH SPEECH DISORDER AND WITH OR WITHOUT MENTAL RETARDATION; APHASIA, ACQUIRED, WITH EPILEPSY. Identifiers: Orphanet 1945, Orphanet 725, Orphanet 98818, MedGen C0282512, MONDO:0009509, OMIM 245570.

Submissions (2):

Institute of Human Genetics, University of Leipzig Medical Center
Classification: Uncertain significance for Landau-Kleffner syndrome. Last evaluated: 2023-08-17. Review status: criteria provided, single submitter. Criteria: ACMG Guidelines, 2015. Collection method: clinical testing. Allele origin: unknown. Inheritance: Autosomal dominant inheritance. Affected: yes.
Comment: Criteria applied: PM1,PM2_SUP,PP3

Labcorp Genetics (formerly Invitae), Labcorp
Classification: Uncertain significance for Landau-Kleffner syndrome. Last evaluated: 2022-10-08. Review status: criteria provided, single submitter. Criteria: Invitae Variant Classification Sherloc (09022015). Collection method: clinical testing. Allele origin: germline.
Comment: Advanced modeling of protein sequence and biophysical properties (such as structural, functional, and spatial information, amino acid conservation, physicochemical variation, residue mobility, and thermodynamic stability) performed at Invitae indicates that this missense variant is expected to disrupt GRIN2A protein function. In summary, the available evidence is currently insufficient to determine the role of this variant in disease. Therefore, it has been classified as a Variant of Uncertain Significance. This missense change has been observed in at least one individual who was not affected with GRIN2A-related conditions (Invitae). This variant has not been reported in the literature in individuals affected with GRIN2A-related conditions. This variant is not present in population databases (gnomAD no frequency). This sequence change replaces proline, which is neutral and non-polar, with threonine, which is neutral and polar, at codon 527 of the GRIN2A protein (p.Pro527Thr).